The following is an entry in ClinVar:

NM_001378454.1(ALMS1):c.353A>G (p.Gln118Arg)

Gene: ALMS1 (ALMS1 centrosome and basal body associated protein; plus strand). Cytogenetic location: 2p13.1.
Variant type: single nucleotide variant.
Coding change: c.353A>G on transcript NM_001378454.1 (MANE Select); coding-DNA position 353, A replaced by G.
Protein change: p.Gln118Arg; replaces glutamine 118 with arginine.
Molecular consequence: missense variant.
Genome position (GRCh38, 1-based): chr2:73,408,650, A>G. VCF-style: chr2-73408650-A-G. GRCh37 (hg19) VCF-style: chr2-73635778-A-G.
Other names: c.356A>G, p.Gln119Arg (NM_015120.4); short protein forms Q118R, Q119R.
Identifiers: ClinVar variation 3355538 (VCV003355538.1).

ClinVar aggregate classification (germline): Uncertain significance (0 of 4 stars; one submission).

Conditions:
ALMS1-related disorder. Also called: ALMS1-related condition.

Submission:

PreventionGenetics, part of Exact Sciences
Classification: Uncertain significance for ALMS1-related condition. Last evaluated: 2024-05-07. Review status: no assertion criteria provided. Collection method: clinical testing. Allele origin: germline.
Comment: The ALMS1 c.356A>G variant is predicted to result in the amino acid substitution p.Gln119Arg. To our knowledge, this variant has not been reported in the literature. This variant is reported in 0.058% of alleles in individuals of African descent in gnomAD. At this time, the clinical significance of this variant is uncertain due to the absence of conclusive functional and genetic evidence.